The following is an entry in ClinVar:

ClinVar aggregate classification (germline): Conflicting classifications of pathogenicity. Review status: criteria provided, conflicting classifications (1 of 4 stars). 5 submissions from 5 submitters: Uncertain significance (2); Likely benign (3). Last evaluated 2025-09-03.

Conditions:
WFS1-related disorder. Identifiers: MedGen CN379391, MONDO:0700293.
Wolfram syndrome 1 (WFS1). Identifiers: Orphanet 3463, MedGen C4551693, MONDO:0009101, OMIM 222300.

Allele frequency attached by ClinVar (database versions not stated): gnomAD exomes 0.00003 and 0.00014; TOPMed 0.00005; ExAC 0.00013; gnomAD 0.00025.
gnomAD v4.1: 59 of 1,613,358 alleles (0.0037%); highest among the groups gnomAD compares: East Asian, 0.069%; no homozygotes.

Submissions (5):

PreventionGenetics, part of Exact Sciences
Classification: Likely benign for WFS1-related condition. Last evaluated: 2025-09-03. Review status: criteria provided, single submitter. Criteria: ACMG Guidelines, 2015. Collection method: clinical testing. Allele origin: germline.
Comment: This variant is classified as likely benign based on ACMG/AMP sequence variant interpretation guidelines (Richards et al. 2015 PMID: 25741868, with internal and published modifications).

Labcorp Genetics (formerly Invitae), Labcorp
Classification: Likely benign. Last evaluated: 2025-06-26. Review status: criteria provided, single submitter. Criteria: Invitae Variant Classification Sherloc (09022015). Collection method: clinical testing. Allele origin: germline.

Blueprint Genetics
Classification: Uncertain significance. Last evaluated: 2024-11-12. Review status: criteria provided, single submitter. Criteria: ACMG Guidelines, 2015. Collection method: clinical testing. Allele origin: germline.

GeneDx
Classification: Uncertain significance. Last evaluated: 2018-11-02. Review status: criteria provided, single submitter. Criteria: GeneDx Variant Classification Process June 2021. Collection method: clinical testing. Allele origin: germline. Affected: yes.
Comment: In silico analysis, which includes protein predictors and evolutionary conservation, supports that this variant does not alter protein structure/function; Has not been previously published as pathogenic or benign to our knowledge

Clinical Genomics, Uppaluri K&H Personalized Medicine Clinic
Classification: Likely benign for Wolfram syndrome 1. Review status: criteria provided, single submitter. Criteria: K & H Uppaluri Personalized Medicine Clinic Variant Classification & Assertion Criteria_Updated V.1. Collection method: research. Allele origin: unknown. Inheritance: Autosomal recessive inheritance.
Comment: Potent mutations in WFS1 gene are associated with Wolfram's syndrome, an autosomal recessive condition, which cause diabetes mellitus, diabetes insipidus, deafness and optic atrophy.However no sufficient evidence is found to ascertain the role of this particular variant rs757414862 in Wolfram's syndrome yet.

Literature cited by the submitters: PubMed 20738327 (cited by Clinical Genomics, Uppaluri K&H Personalized Medicine Clinic); PubMed 33879153 (cited by Clinical Genomics, Uppaluri K&H Personalized Medicine Clinic); PubMed 12955714 (cited by Clinical Genomics, Uppaluri K&H Personalized Medicine Clinic); PubMed 18060660 (cited by Clinical Genomics, Uppaluri K&H Personalized Medicine Clinic); PubMed 20301750 (cited by Clinical Genomics, Uppaluri K&H Personalized Medicine Clinic); PubMed 17603484 (cited by Clinical Genomics, Uppaluri K&H Personalized Medicine Clinic).

NM_006005.3(WFS1):c.772G>A (p.Val258Ile)

Gene: WFS1 (wolframin ER transmembrane glycoprotein; plus strand). Cytogenetic location: 4p16.1.
Variant type: single nucleotide variant.
Coding change: c.772G>A on transcript NM_006005.3 (MANE Select); coding-DNA position 772, G replaced by A.
Protein change: p.Val258Ile; replaces valine 258 with isoleucine.
Molecular consequence: missense variant.
Genome position (GRCh38, 1-based): chr4:6,295,100, G>A. VCF-style: chr4-6295100-G-A. GRCh37 (hg19) VCF-style: chr4-6296827-G-A.
Other names: c.772G>A, p.Val258Ile (NM_001145853.1); short protein forms V258I.
Identifiers: ClinVar variation 732838 (VCV000732838.14), dbSNP rs757414862, ClinGen allele CA2839047.
Genomic context (GRCh38, chr4:6,295,100, plus strand): 5'-GCCAAGAACTACATCGCGCTGGATGACTTTGTGGAGATCACTAAGAAGTACGCCAAGGGC[G>A]TCATCCCCAGCAGCCTGTTCCTGCAGGACGACGAAGATGATGACGAGCTGGCGGGGAAGA-3'
Protein context (NP_005996.2, residues 248-268): VEITKKYAKG[Val258Ile]IPSSLFLQDD